The following is an entry in ClinVar:

ClinVar aggregate classification (germline): Uncertain significance (1 of 4 stars; one submission).

Conditions:
ARHGEF6-related disorder. Also called: ARHGEF6-related condition.

Allele frequency attached by ClinVar (database versions not stated): gnomAD exomes below 0.00001.
gnomAD v4.1: 2 of 1,205,780 alleles (0.00017%); highest among the groups gnomAD compares: Non-Finnish European, 0.00022%; no homozygotes.

Submission:

PreventionGenetics, part of Exact Sciences
Classification: Uncertain significance for ARHGEF6-related condition. Last evaluated: 2023-04-24. Review status: criteria provided, single submitter. Criteria: ACMG Guidelines, 2015. Collection method: clinical testing. Allele origin: germline.
Comment: The ARHGEF6 c.806G>T variant is predicted to result in the amino acid substitution p.Arg269Ile. However, a second variant was also detected in a different gene and both variants were reported to be maternally-inherited (Family H, Figure 3, Jiang et al. 2013. PubMed ID: 23849776). This variant has not been reported in a large population database, indicating this variant is rare. At this time, the clinical significance of this variant is uncertain due to the absence of conclusive functional and genetic evidence.

NM_004840.3(ARHGEF6):c.806G>T (p.Arg269Ile)

Gene: ARHGEF6 (Rac/Cdc42 guanine nucleotide exchange factor 6; minus strand). Cytogenetic location: Xq26.3.
Variant type: single nucleotide variant.
Coding change: c.806G>T on transcript NM_004840.3 (MANE Select); coding-DNA position 806, G replaced by T.
Protein change: p.Arg269Ile; replaces arginine 269 with isoleucine.
Molecular consequence: missense variant.
Genome position (GRCh38, 1-based): chrX:136,713,297, C>A on the plus strand (G>T on the coding strand, the complement: ARHGEF6 is on the minus strand). VCF-style: chrX-136713297-C-A. GRCh37 (hg19) VCF-style: chrX-135795456-C-A.
Other names: c.344G>T, p.Arg115Ile (NM_001306177.2); short protein forms R115I, R269I.
Identifiers: ClinVar variation 2635713 (VCV002635713.1), dbSNP rs2522424517, ClinGen allele CA414753435.